The following is an entry in ClinVar:

NM_000094.4(COL7A1):c.4936-1G>A

Gene: COL7A1 (collagen type VII alpha 1 chain; minus strand). Cytogenetic location: 3p21.31.
Variant type: single nucleotide variant.
Coding change: c.4936-1G>A on transcript NM_000094.4 (MANE Select); the canonical splice acceptor site of the intron before coding-DNA position 4936, G replaced by A.
Molecular consequence: splice acceptor variant.
Genome position (GRCh38, 1-based): chr3:48,580,927, C>T on the plus strand (G>A on the coding strand, the complement: COL7A1 is on the minus strand). VCF-style: chr3-48580927-C-T. GRCh37 (hg19) VCF-style: chr3-48618360-C-T.
Identifiers: ClinVar variation 847268 (VCV000847268.7), dbSNP rs2044708601, ClinGen allele CA352680902.

ClinVar aggregate classification (germline): Likely pathogenic (1 of 4 stars; one submission).

Submission:

Labcorp Genetics (formerly Invitae), Labcorp
Classification: Likely pathogenic. Last evaluated: 2019-11-18. Review status: criteria provided, single submitter. Criteria: Invitae Variant Classification Sherloc (09022015). Collection method: clinical testing. Allele origin: germline.
Comment: Algorithms developed to predict the effect of sequence changes on RNA splicing suggest that this variant may disrupt the consensus splice site, but this prediction has not been confirmed by published transcriptional studies. In summary, the currently available evidence indicates that the variant is pathogenic, but additional data are needed to prove that conclusively. Therefore, this variant has been classified as Likely Pathogenic. Donor and acceptor splice site variants typically lead to a loss of protein function (PMID: 16199547), and loss-of-function variants in COL7A1 are known to be pathogenic (PMID: 16971478). This variant has not been reported in the literature in individuals with COL7A1-related conditions. This variant is not present in population databases (ExAC no frequency). This sequence change affects an acceptor splice site in intron 52 of the COL7A1 gene. It is expected to disrupt RNA splicing and likely results in an absent or disrupted protein product.

Literature cited by the submitters: PubMed 16199547; PubMed 16971478.